The following is an entry in ClinVar:

NM_024426.6(WT1):c.392C>G (p.Pro131Arg)

Genes: WT1 (WT1 transcription factor; minus strand), LOC107982234 (WT1/WT1-AS bi-directional promoter region; plus strand). Cytogenetic location: 11p13.
Variant type: single nucleotide variant.
Coding change: c.392C>G on transcript NM_024426.6 (MANE Select); coding-DNA position 392, C replaced by G.
Protein change: p.Pro131Arg; replaces proline 131 with arginine.
Molecular consequence: missense variant. On other transcripts: non-coding transcript variant (1).
Genome position (GRCh38, 1-based): chr11:32,434,969, G>C on the plus strand (C>G on the coding strand, the complement: WT1 is on the minus strand). VCF-style: chr11-32434969-G-C. GRCh37 (hg19) VCF-style: chr11-32456515-G-C.
Other names: c.392C>G, p.Pro131Arg (NM_000378.6, NM_024424.5); short protein forms P131R.
Identifiers: ClinVar variation 937030 (VCV000937030.7), dbSNP rs1443423967, ClinGen allele CA379965791.

ClinVar aggregate classification (germline): Uncertain significance. Review status: criteria provided, multiple submitters, no conflicts (2 of 4 stars). 3 submissions from 3 submitters: Uncertain significance (3). Last evaluated 2024-12-29.

Conditions:
Inborn genetic diseases. Identifiers: MedGen C0950123, MeSH D030342.
Drash syndrome (DDS). Also called: NEPHROPATHY, WILMS TUMOR, AND GENITAL ANOMALIES; WILMS TUMOR AND PSEUDO- OR TRUE HERMAPHRODITISM. Identifiers: Orphanet 220, MedGen C0950121, MONDO:0008682, OMIM 194080.
Wilms tumor 1 (WT1). Also called: Wilms tumor, somatic. Identifiers: Orphanet 654, MedGen CN033288, MONDO:0008679, OMIM 194070.
11p partial monosomy syndrome (WAGR). Also called: WAGR Complex; WAGR syndrome; WAGR Spectrum Disorder; CHROMOSOME 11p13 DELETION SYNDROME. Identifiers: Orphanet 893, MedGen C0206115, MONDO:0008681, OMIM 194072.
Frasier syndrome. Identifiers: Orphanet 347, MedGen C0950122, MeSH D052159, MONDO:0007635, OMIM 136680.
Meacham syndrome. Also called: Meacham Winn Culler syndrome. Identifiers: Orphanet 3097, MedGen C1837026, MONDO:0012164, OMIM 608978.
Mesothelioma, malignant (MESOM). Also called: Malignant mesothelioma (disease). Identifiers: Orphanet 50251, MedGen C0345967, MONDO:0006292, OMIM 156240, HP:0100001.
Nephrotic syndrome, type 4 (NPHS4). Also called: Familial mesangial sclerosis; Nephrotic syndrome, early onset with diffuse mesangial sclerosis. Identifiers: Orphanet 656, MedGen C3151568, MONDO:0009733, OMIM 256370.

Allele frequency attached by ClinVar (database versions not stated): TOPMed below 0.00001; gnomAD 0.00001; 1000 Genomes Project 30x 0.00016.
gnomAD v4.1: 11 of 1,539,630 alleles (0.00071%); highest among the groups gnomAD compares: Admixed American, 0.002%; no homozygotes.

Submissions (3):

Ambry Genetics
Classification: Uncertain significance for Inborn genetic diseases. Last evaluated: 2024-12-29. Review status: criteria provided, single submitter. Criteria: Ambry Variant Classification Scheme 2023. Collection method: clinical testing. Allele origin: germline.
Comment: The p.P126R variant (also known as c.377C>G), located in coding exon 1 of the WT1 gene, results from a C to G substitution at nucleotide position 377. The proline at codon 126 is replaced by arginine, an amino acid with dissimilar properties. This amino acid position is conserved. In addition, this alteration is predicted to be tolerated by in silico analysis. Based on the available evidence, the clinical significance of this variant remains unclear.

Fulgent Genetics
Classification: Uncertain significance for Frasier syndrome; Mesothelioma, malignant; Wilms tumor 1; Drash syndrome; Nephrotic syndrome, type 4; Meacham syndrome. Last evaluated: 2024-03-10. Review status: criteria provided, single submitter. Criteria: ACMG Guidelines, 2015. Collection method: clinical testing. Allele origin: germline.

Labcorp Genetics (formerly Invitae), Labcorp
Classification: Uncertain significance for Wilms tumor 1; Drash syndrome; 11p partial monosomy syndrome; Frasier syndrome. Last evaluated: 2023-10-29. Review status: criteria provided, single submitter. Criteria: Invitae Variant Classification Sherloc (09022015). Collection method: clinical testing. Allele origin: germline.
Comment: This sequence change replaces proline, which is neutral and non-polar, with arginine, which is basic and polar, at codon 126 of the WT1 protein (p.Pro126Arg). This variant is not present in population databases (gnomAD no frequency). This variant has not been reported in the literature in individuals affected with WT1-related conditions. ClinVar contains an entry for this variant (Variation ID: 937030). An algorithm developed to predict the effect of missense changes on protein structure and function (PolyPhen-2) suggests that this variant is likely to be disruptive. In summary, the available evidence is currently insufficient to determine the role of this variant in disease. Therefore, it has been classified as a Variant of Uncertain Significance.